The following is an entry in ClinVar:

NM_000311.5(PRNP):c.*936C>T

Gene: PRNP (prion protein (Kanno blood group); plus strand). Cytogenetic location: 20p13.
Variant type: single nucleotide variant.
Coding change: c.*936C>T on transcript NM_000311.5 (MANE Select); 936 bases downstream of the stop codon, C replaced by T.
Molecular consequence: 3 prime UTR variant.
Genome position (GRCh38, 1-based): chr20:4,700,918, C>T. VCF-style: chr20-4700918-C-T. GRCh37 (hg19) VCF-style: chr20-4681564-C-T.
Other names: c.*1387C>T (NM_001271561.3); c.*936C>T (NM_183079.4, NM_001080121.3, NM_001080122.3 and 1 more transcripts).
Identifiers: ClinVar variation 338667 (VCV000338667.5), dbSNP rs76116805, ClinGen allele CA10653197.
Genomic context (GRCh38, chr20:4,700,918, plus strand): 5'-TTTACCTGGAAACCAGAATGATTTTGACATACAGGAGAGCTGCAGTTGTGAAAGCACCAT[C>T]ATCATAGAGGATGATGTAATTAAAAAATGGTCAGTGTGCAAAGAAAAGAACTGCTTGCAT-3'

ClinVar aggregate classification (germline): Benign (1 of 4 stars; one submission).

Conditions:
Inherited prion disease. Identifiers: Orphanet 280400, MedGen C5679775, MONDO:0017234.

Allele frequency attached by ClinVar (database versions not stated): 1000 Genomes Project 0.00839; 1000 Genomes Project 30x 0.00843; gnomAD 0.00901 and 0.00987; TOPMed 0.01035.

Submission:

Illumina Laboratory Services, Illumina
Classification: Benign for Genetic prion diseases. Last evaluated: 2018-01-13. Review status: criteria provided, single submitter. Criteria: ICSL Variant Classification Criteria 13 December 2019. Collection method: clinical testing. Allele origin: germline.
Comment: This variant was observed in the ICSL laboratory as part of a predisposition screen in an ostensibly healthy population. It had not been previously curated by ICSL or reported in the Human Gene Mutation Database (HGMD: prior to June 1st, 2018), and was therefore a candidate for classification through an automated scoring system. Utilizing variant allele frequency, disease prevalence and penetrance estimates, and inheritance mode, an automated score was calculated to assess if this variant is too frequent to cause the disease. Based on the score and internal cut-off values, a variant classified as benign is not then subjected to further curation. The score for this variant resulted in a classification of benign for this disease.